The following is an entry in ClinVar:

ClinVar aggregate classification (germline): Uncertain significance (1 of 4 stars; one submission).

Submission:

GeneDx
Classification: Uncertain significance. Last evaluated: 2024-11-24. Review status: criteria provided, single submitter. Criteria: GeneDx Variant Classification Process June 2021. Collection method: clinical testing. Allele origin: germline. Affected: yes.
Comment: Not observed at significant frequency in large population cohorts (gnomAD); In silico analysis supports that this missense variant has a deleterious effect on protein structure/function; Has not been previously published as pathogenic or benign to our knowledge

NM_017852.5(NLRP2):c.2156T>C (p.Leu719Pro)

Gene: NLRP2 (NLR family pyrin domain containing 2; plus strand). Cytogenetic location: 19q13.42.
Variant type: single nucleotide variant.
Coding change: c.2156T>C on transcript NM_017852.5 (MANE Select); coding-DNA position 2156, T replaced by C.
Protein change: p.Leu719Pro; replaces leucine 719 with proline.
Molecular consequence: missense variant. On other transcripts: non-coding transcript variant (1).
Genome position (GRCh38, 1-based): chr19:54,985,172, T>C. VCF-style: chr19-54985172-T-C. GRCh37 (hg19) VCF-style: chr19-55496540-T-C.
Other names: c.2156T>C, p.Leu719Pro (NM_001174081.3); c.2090T>C, p.Leu697Pro (NM_001174082.3); c.2087T>C, p.Leu696Pro (NM_001174083.2); c.2147T>C, p.Leu716Pro (NM_001348003.2); short protein forms L696P, L697P, L716P, L719P.
Identifiers: ClinVar variation 3900155 (VCV003900155.1).